The following is an entry in ClinVar:

NM_000138.5(FBN1):c.2601T>A (p.Asn867Lys)

Gene: FBN1 (fibrillin 1; minus strand). Cytogenetic location: 15q21.1.
Variant type: single nucleotide variant.
Coding change: c.2601T>A on transcript NM_000138.5 (MANE Select); coding-DNA position 2601, T replaced by A.
Protein change: p.Asn867Lys; replaces asparagine 867 with lysine.
Molecular consequence: missense variant.
Genome position (GRCh38, 1-based): chr15:48,495,199, A>T on the plus strand (T>A on the coding strand, the complement: FBN1 is on the minus strand). VCF-style: chr15-48495199-A-T. GRCh37 (hg19) VCF-style: chr15-48787396-A-T.
Other names: short protein forms N867K.
Identifiers: ClinVar variation 1171630 (VCV001171630.3), dbSNP rs759097188, ClinGen allele CA392332565.

ClinVar aggregate classification (germline): Uncertain significance (1 of 4 stars; one submission).

Conditions:
Familial thoracic aortic aneurysm and aortic dissection (TAAD). Also called: Thoracic aortic aneurysms and dissections. Identifiers: Orphanet 91387, MedGen C4707243, MONDO:0019625.

Submission:

Color Diagnostics, LLC DBA Color Health
Classification: Uncertain significance for Familial thoracic aortic aneurysm and aortic dissection. Last evaluated: 2024-03-07. Review status: criteria provided, single submitter. Criteria: ACMG Guidelines, 2015. Collection method: clinical testing. Allele origin: germline.
Comment: This missense variant replaces asparagine with lysine at codon 867 of the FBN1 protein. Computational prediction is inconclusive regarding the impact of this variant on protein structure and function (internally defined REVEL score threshold 0.5 < inconclusive < 0.7, PMID: 27666373). To our knowledge, functional studies have not been reported for this variant. This variant has not been reported in individuals affected with cardiovascular disorders in the literature. This variant has not been identified in the general population by the Genome Aggregation Database (gnomAD). The available evidence is insufficient to determine the role of this variant in disease conclusively. Therefore, this variant is classified as a Variant of Uncertain Significance.